The following is an entry in ClinVar:

ClinVar aggregate classification (germline): Uncertain significance. Review status: criteria provided, multiple submitters, no conflicts (2 of 4 stars). 2 submissions from 2 submitters: Uncertain significance (2). Last evaluated 2024-01-11.

Conditions:
Intestinal hypomagnesemia 1. Also called: HYPOMAGNESEMIA, INTESTINAL, WITH SECONDARY HYPOCALCEMIA; HYPOMAGNESEMIC TETANY. Identifiers: Orphanet 30924, MedGen C1865974, MONDO:0011176, OMIM 602014.
Inborn genetic diseases. Identifiers: MedGen C0950123, MeSH D030342.

Allele frequency attached by ClinVar (database versions not stated): TOPMed below 0.00001.
gnomAD v4.1: 3 of 1,614,128 alleles (0.00019%); highest among the groups gnomAD compares: Admixed American, 0.005%; no homozygotes.

Submissions (2):

Fulgent Genetics
Classification: Uncertain significance for Intestinal hypomagnesemia 1. Last evaluated: 2024-01-11. Review status: criteria provided, single submitter. Criteria: ACMG Guidelines, 2015. Collection method: clinical testing. Allele origin: germline.

Ambry Genetics
Classification: Uncertain significance for Inborn genetic diseases. Last evaluated: 2021-03-16. Review status: criteria provided, single submitter. Criteria: Ambry Variant Classification Scheme 2023. Collection method: clinical testing. Allele origin: germline.
Comment: The c.607T>C (p.W203R) alteration is located in exon 6 (coding exon 6) of the TRPM6 gene. This alteration results from a T to C substitution at nucleotide position 607, causing the tryptophan (W) at amino acid position 203 to be replaced by an arginine (R). The p.W203R alteration is predicted to be tolerated by in silico analysis. Based on insufficient or conflicting evidence, the clinical significance of this alteration remains unclear.

NM_017662.5(TRPM6):c.607T>C (p.Trp203Arg)

Gene: TRPM6 (transient receptor potential cation channel subfamily M member 6; minus strand). Cytogenetic location: 9q21.13.
Variant type: single nucleotide variant.
Coding change: c.607T>C on transcript NM_017662.5 (MANE Select); coding-DNA position 607, T replaced by C.
Protein change: p.Trp203Arg; replaces tryptophan 203 with arginine.
Molecular consequence: missense variant.
Genome position (GRCh38, 1-based): chr9:74,834,060, A>G on the plus strand (T>C on the coding strand, the complement: TRPM6 is on the minus strand). VCF-style: chr9-74834060-A-G. GRCh37 (hg19) VCF-style: chr9-77448976-A-G.
Other names: c.592T>C, p.Trp198Arg (NM_001177310.2, NM_001177311.2); short protein forms W198R, W203R.
Identifiers: ClinVar variation 2229525 (VCV002229525.3), dbSNP rs1431527023, ClinGen allele CA373695642.
Genomic context (GRCh38, chr9:74,834,060, plus strand): 5'-CTTTTCCAATAAGGTCTCTCTGGTTCTCAATGACACCCCAAGGAGGGATTCCAACTGTCC[A>G]GATTTTTCTCAAGGAATGAGAGGAATGGGATTTCAAGGCATCCCCAACATGCTTGGACAC-3'
Protein context (NP_060132.3, residues 193-213): SHSSHSLRKI[Trp203Arg]TVGIPPWGVI